The following is an entry in ClinVar:

ClinVar aggregate classification (germline): Pathogenic/Likely pathogenic. Review status: criteria provided, multiple submitters, no conflicts (2 of 4 stars). 2 submissions from 2 submitters: Pathogenic (1); Likely pathogenic (1). Last evaluated 2018-09-06.

Conditions:
Charcot-Marie-Tooth disease type 4. Also called: Charcot-Marie-Tooth, Type 4; Charcot-Marie-Tooth disease, type IV. Identifiers: Orphanet 64749, MedGen C4082197, MONDO:0018995.

Allele frequency attached by ClinVar (database versions not stated): gnomAD exomes below 0.00001; TOPMed below 0.00001.

Submissions (2):

Labcorp Genetics (formerly Invitae), Labcorp
Classification: Pathogenic for Charcot-Marie-Tooth disease type 4. Last evaluated: 2018-09-06. Review status: criteria provided, single submitter. Criteria: Invitae Variant Classification Sherloc (09022015). Collection method: clinical testing. Allele origin: germline.
Comment: This sequence change creates a premature translational stop signal (p.Glu166*) in the SH3TC2 gene. It is expected to result in an absent or disrupted protein product. This variant is not present in population databases (ExAC no frequency). For these reasons, this variant has been classified as Pathogenic. Loss-of-function variants in SH3TC2 are known to be pathogenic (PMID: 20220177, 27068304). This variant has not been reported in the literature in individuals with SH3TC2-related disease. ClinVar contains an entry for this variant (Variation ID: 450991).

GeneDx
Classification: Likely pathogenic. Last evaluated: 2017-08-03. Review status: criteria provided, single submitter. Criteria: GeneDx Variant Classification (06012015). Collection method: clinical testing. Allele origin: germline. Affected: yes.
Comment: A variant that is likely pathogenic has been identified in the SH3TC2 gene. The E166X variant has not been published as a pathogenic variant, nor has it been reported as a benign variant to our knowledge. The E166X nonsense variant in the SH3TC2 gene is predicted to cause loss of normal protein function either through protein truncation or nonsense-mediated mRNA decay. The E166X variant is not observed in large population cohorts (Lek et al., 2016; 1000 Genomes Consortium et al., 2015; Exome Variant Server). Therefore, this variant is likely pathogenic; however, the possibility that it is benign cannot be excluded.

Literature cited by the submitters: PubMed 20220177 (cited by Labcorp Genetics (formerly Invitae), Labcorp); PubMed 27068304 (cited by Labcorp Genetics (formerly Invitae), Labcorp).

NM_024577.4(SH3TC2):c.496G>T (p.Glu166Ter)

Gene: SH3TC2 (SH3 domain and tetratricopeptide repeats 2; minus strand). Cytogenetic location: 5q32.
Variant type: single nucleotide variant.
Coding change: c.496G>T on transcript NM_024577.4 (MANE Select); coding-DNA position 496, G replaced by T.
Protein change: p.Glu166Ter; replaces glutamic acid 166 with a stop codon.
Molecular consequence: nonsense.
Genome position (GRCh38, 1-based): chr5:149,042,727, C>A on the plus strand (G>T on the coding strand, the complement: SH3TC2 is on the minus strand). VCF-style: chr5-149042727-C-A. GRCh37 (hg19) VCF-style: chr5-148422290-C-A.
Other names: short protein forms E166*.
Identifiers: ClinVar variation 450991 (VCV000450991.8), dbSNP rs1554122847, ClinGen allele CA361675539.